The following is an entry in ClinVar:

ClinVar aggregate classification (germline): Uncertain significance. Review status: criteria provided, multiple submitters, no conflicts (2 of 4 stars). 2 submissions from 2 submitters: Uncertain significance (2). Last evaluated 2022-02-23.

Conditions:
Developmental and epileptic encephalopathy 94 (DEE94). Also called: CHD2-Related Neurodevelopmental Disorders; Epileptic encephalopathy, childhood-onset. Identifiers: Orphanet 1942, Orphanet 2382, MedGen C3809278, MONDO:0014150, OMIM 615369.

Allele frequency attached by ClinVar (database versions not stated): ExAC 0.00001; gnomAD exomes 0.00001; TOPMed 0.00001.
gnomAD v4.1: 17 of 1,614,174 alleles (0.0011%); highest among the groups gnomAD compares: Non-Finnish European, 0.0011%; no homozygotes.

Submissions (2):

GeneDx
Classification: Uncertain significance. Last evaluated: 2022-02-23. Review status: criteria provided, single submitter. Criteria: GeneDx Variant Classification Process June 2021. Collection method: clinical testing. Allele origin: germline. Affected: yes.
Comment: In silico analysis supports that this missense variant does not alter protein structure/function; Has not been previously published as pathogenic or benign to our knowledge

Labcorp Genetics (formerly Invitae), Labcorp
Classification: Uncertain significance for Developmental and epileptic encephalopathy 94. Last evaluated: 2022-02-14. Review status: criteria provided, single submitter. Criteria: Invitae Variant Classification Sherloc (09022015). Collection method: clinical testing. Allele origin: germline.
Comment: In summary, the available evidence is currently insufficient to determine the role of this variant in disease. Therefore, it has been classified as a Variant of Uncertain Significance. Advanced modeling of protein sequence and biophysical properties (such as structural, functional, and spatial information, amino acid conservation, physicochemical variation, residue mobility, and thermodynamic stability) performed at Invitae indicates that this missense variant is not expected to disrupt CHD2 protein function. ClinVar contains an entry for this variant (Variation ID: 1020177). This variant has not been reported in the literature in individuals affected with CHD2-related conditions. This variant is present in population databases (rs779865037, gnomAD 0.0009%). This sequence change replaces alanine, which is neutral and non-polar, with valine, which is neutral and non-polar, at codon 1514 of the CHD2 protein (p.Ala1514Val).

NM_001271.4(CHD2):c.4541C>T (p.Ala1514Val)

Gene: CHD2 (chromodomain helicase DNA binding protein 2; plus strand). Cytogenetic location: 15q26.1.
Variant type: single nucleotide variant.
Coding change: c.4541C>T on transcript NM_001271.4 (MANE Select); coding-DNA position 4541, C replaced by T.
Protein change: p.Ala1514Val; replaces alanine 1514 with valine.
Molecular consequence: missense variant.
Genome position (GRCh38, 1-based): chr15:93,009,272, C>T. VCF-style: chr15-93009272-C-T. GRCh37 (hg19) VCF-style: chr15-93552502-C-T.
Other names: short protein forms A1514V.
Identifiers: ClinVar variation 1020177 (VCV001020177.10), dbSNP rs779865037, ClinGen allele CA7748495.